The following is an entry in ClinVar:

NM_001370259.2(MEN1):c.698A>C (p.Lys233Thr)

Gene: MEN1 (menin 1; minus strand). Cytogenetic location: 11q13.1.
Variant type: single nucleotide variant.
Coding change: c.698A>C on transcript NM_001370259.2 (MANE Select); coding-DNA position 698, A replaced by C.
Protein change: p.Lys233Thr; replaces lysine 233 with threonine.
Molecular consequence: missense variant.
Genome position (GRCh38, 1-based): chr11:64,807,637, T>G on the plus strand (A>C on the coding strand, the complement: MEN1 is on the minus strand). VCF-style: chr11-64807637-T-G. GRCh37 (hg19) VCF-style: chr11-64575109-T-G.
Other names: c.713A>C, p.Lys238Thr (NM_000244.4, NM_130800.3, NM_130801.3 and 3 more transcripts); c.698A>C, p.Lys233Thr (NM_001370251.2, NM_001370260.2, NM_001370261.2 and 1 more transcripts); c.593A>C, p.Lys198Thr (NM_001370262.2, NM_001370263.2); short protein forms K238T, K198T, K233T.
Identifiers: ClinVar variation 655795 (VCV000655795.8), dbSNP rs1592649270, ClinGen allele CA381184612.

ClinVar aggregate classification (germline): Uncertain significance (1 of 4 stars; one submission).

Conditions:
Multiple endocrine neoplasia, type 1 (MEN1). Also called: Endocrine adenomatosis multiple; MEN 1; MEN I; WERMER SYNDROME; MEA I. Identifiers: Orphanet 652, MedGen C0025267, MeSH D018761, MONDO:0007540, OMIM 131100.

Submission:

Labcorp Genetics (formerly Invitae), Labcorp
Classification: Uncertain significance for Multiple endocrine neoplasia, type 1. Last evaluated: 2022-07-26. Review status: criteria provided, single submitter. Criteria: Invitae Variant Classification Sherloc (09022015). Collection method: clinical testing. Allele origin: germline.
Comment: In summary, the available evidence is currently insufficient to determine the role of this variant in disease. Therefore, it has been classified as a Variant of Uncertain Significance. Advanced modeling of protein sequence and biophysical properties (such as structural, functional, and spatial information, amino acid conservation, physicochemical variation, residue mobility, and thermodynamic stability) performed at Invitae indicates that this missense variant is not expected to disrupt MEN1 protein function. ClinVar contains an entry for this variant (Variation ID: 655795). This variant has not been reported in the literature in individuals affected with MEN1-related conditions. This variant is not present in population databases (gnomAD no frequency). This sequence change replaces lysine, which is basic and polar, with threonine, which is neutral and polar, at codon 233 of the MEN1 protein (p.Lys233Thr).